The following is an entry in ClinVar:

ClinVar aggregate classification (germline): Pathogenic (1 of 4 stars; one submission).

Conditions:
Autosomal recessive severe congenital neutropenia due to G6PC3 deficiency. Also called: NEUTROPENIA, SEVERE CONGENITAL, 4, AUTOSOMAL RECESSIVE; G6PC3 Deficiency. Identifiers: Orphanet 331176, MedGen C2751630, MONDO:0012930, OMIM 612541.

Submission:

Labcorp Genetics (formerly Invitae), Labcorp
Classification: Pathogenic for Autosomal recessive severe congenital neutropenia due to G6PC3 deficiency. Last evaluated: 2023-02-16. Review status: criteria provided, single submitter. Criteria: Invitae Variant Classification Sherloc (09022015). Collection method: clinical testing. Allele origin: germline.
Comment: This variant disrupts a region of the G6PC3 protein in which other variant(s) (p.Pro44Ser) have been determined to be pathogenic (PMID: 21385794, 22469094, 25492228, 27577878, 29163546). This suggests that this is a clinically significant region of the protein, and that variants that disrupt it are likely to be disease-causing. For these reasons, this variant has been classified as Pathogenic. This variant has not been reported in the literature in individuals affected with G6PC3-related conditions. This variant is not present in population databases (gnomAD no frequency). This sequence change affects the initiator methionine of the G6PC3 mRNA. The next in-frame methionine is located at codon 116.

Literature cited by the submitters: PubMed 21385794; PubMed 22469094; PubMed 25492228; PubMed 27577878; PubMed 29163546.

NM_138387.4(G6PC3):c.3G>T (p.Met1Ile)

Gene: G6PC3 (glucose-6-phosphatase catalytic subunit 3; plus strand). Cytogenetic location: 17q21.31.
Variant type: single nucleotide variant.
Coding change: c.3G>T on transcript NM_138387.4 (MANE Select); coding-DNA position 3, G replaced by T.
Protein change: p.Met1Ile; changes the start codon (methionine 1).
Molecular consequence: missense variant, initiator codon variant. On other transcripts: 5 prime UTR variant (3), intron variant (1).
Genome position (GRCh38, 1-based): chr17:44,070,968, G>T. VCF-style: chr17-44070968-G-T. GRCh37 (hg19) VCF-style: chr17-42148336-G-T.
Other names: c.3G>T, p.Met1Ile (NM_001319945.2); c.-402G>T (NM_001384165.1); c.-537G>T (NM_001384166.1); c.-527G>T (NM_001384167.1); c.-312+254G>T (NM_001384168.1); short protein forms M1I.
Identifiers: ClinVar variation 2837752 (VCV002837752.3), dbSNP rs767856364, ClinGen allele CA399745530.
Genomic context (GRCh38, chr17:44,070,968, plus strand): 5'-CCTGGACTCTGGTTTCCGCCCTGGAGCAAGCCGGGGCCTGGTCGGCAGCTGGGCCGCCAT[G>T]GAGTCCACGCTGGGCGCGGGCATCGTGATAGCCGAGGCGCTACAGAACCAGCTAGCCTGG-3'
Protein context (NP_612396.1, residues 1-11): [Met1Ile]ESTLGAGIVI